The following is an entry in ClinVar:

NM_001029896.2(WDR45):c.641G>T (p.Gly214Val)

Gene: WDR45 (WD repeat domain 45; minus strand). Cytogenetic location: Xp11.23.
Variant type: single nucleotide variant.
Coding change: c.641G>T on transcript NM_001029896.2 (MANE Select); coding-DNA position 641, G replaced by T.
Protein change: p.Gly214Val; replaces glycine 214 with valine.
Molecular consequence: missense variant.
Genome position (GRCh38, 1-based): chrX:49,075,629, C>A on the plus strand (G>T on the coding strand, the complement: WDR45 is on the minus strand). VCF-style: chrX-49075629-C-A. GRCh37 (hg19) VCF-style: chrX-48933288-C-A.
Other names: c.644G>T, p.Gly215Val (NM_007075.4); short protein forms G214V, G215V.
Identifiers: ClinVar variation 3383969 (VCV003383969.2).

ClinVar aggregate classification (germline): Likely pathogenic (1 of 4 stars; one submission).

Conditions:
Neurodegeneration with brain iron accumulation 5 (NBIA5). Also called: STATIC ENCEPHALOPATHY OF CHILDHOOD WITH NEURODEGENERATION IN ADULTHOOD; Beta-propeller protein-associated neurodegeneration. Identifiers: Orphanet 329284, MedGen C3550973, MONDO:0010476, OMIM 300894.

Submission:

Molecular Genetics Laboratory, Motol Hospital
Classification: Likely pathogenic for Neurodegeneration with brain iron accumulation 5. Last evaluated: 2024-12-06. Review status: criteria provided, single submitter. Criteria: ACMG Guidelines, 2015. Collection method: clinical testing. Allele origin: de novo. Affected: yes. Observed: 1 variant allele.
Comment: This X-linked variant was confirmed to be of a de novo origin based on the analysis of maternal sample. Rare missense variants affecting the WDR45 gene are documented as a molecular cause of X-linked "neurodegeneration with brain iron accumulation-5" (NBIA5, OMIM:300894) (PMID:27030146;33843443;23176820;23435086). The different amino acid change c.641G>A (ClinVar Variation ID: 2442363) is reported as likely pathogenic. To conclude, the variant is classified as likely pathogenic (ACMG PS2, PM2, PM5, PP3).

Literature cited by the submitters: PubMed 27030146; PubMed 33843443; PubMed 23176820; PubMed 23435086.